The following is an entry in ClinVar:

NM_018297.4(NGLY1):c.1781T>C (p.Leu594Pro)

Gene: NGLY1 (N-glycanase 1; minus strand). Cytogenetic location: 3p24.2.
Variant type: single nucleotide variant.
Coding change: c.1781T>C on transcript NM_018297.4 (MANE Select); coding-DNA position 1781, T replaced by C.
Protein change: p.Leu594Pro; replaces leucine 594 with proline.
Molecular consequence: missense variant. On other transcripts: intron variant (1).
Genome position (GRCh38, 1-based): chr3:25,720,022, A>G on the plus strand (T>C on the coding strand, the complement: NGLY1 is on the minus strand). VCF-style: chr3-25720022-A-G. GRCh37 (hg19) VCF-style: chr3-25761513-A-G.
Other names: c.1727T>C, p.Leu576Pro (NM_001145293.2); c.1655T>C, p.Leu552Pro (NM_001145294.2); c.1612-387T>C (NM_001145295.2); short protein forms L594P, L552P, L576P.
Identifiers: ClinVar variation 1040920 (VCV001040920.2), dbSNP rs760957238, ClinGen allele CA2289077.
Genomic context (GRCh38, chr3:25,720,022, plus strand): 5'-TTCAGAGTGGTAAATATATATTTCGTGATTAATTCTCCAGGCAAATGCTTACCGCCTGTC[A>G]GTTCTACTTGTGCTGTATCAGATCGCAATTTCCATTCTACTGTTCCAGTCTGAAAAGTTT-3'
Protein context (NP_060767.2, residues 584-604): KLRSDTAQVE[Leu594Pro]TGDNSLHSYA

ClinVar aggregate classification (germline): Uncertain significance (1 of 4 stars; one submission).

Conditions:
Congenital disorder of deglycosylation (CDDG). Identifiers: MedGen C3808991, MONDO:0031376.

Allele frequency attached by ClinVar (database versions not stated): gnomAD exomes 0.00001 and 0.00002; ExAC 0.00002.
gnomAD v4.1: 6 of 1,609,996 alleles (0.00037%); highest among the groups gnomAD compares: Admixed American, 0.01%; no homozygotes.

Submission:

Labcorp Genetics (formerly Invitae), Labcorp
Classification: Uncertain significance for Congenital disorder of deglycosylation. Last evaluated: 2022-08-10. Review status: criteria provided, single submitter. Criteria: Invitae Variant Classification Sherloc (09022015). Collection method: clinical testing. Allele origin: germline.
Comment: This sequence change replaces leucine, which is neutral and non-polar, with proline, which is neutral and non-polar, at codon 594 of the NGLY1 protein (p.Leu594Pro). This variant is present in population databases (rs760957238, gnomAD 0.01%). This variant has not been reported in the literature in individuals affected with NGLY1-related conditions. ClinVar contains an entry for this variant (Variation ID: 1040920). Algorithms developed to predict the effect of missense changes on protein structure and function output the following: SIFT: "Deleterious"; PolyPhen-2: "Benign"; Align-GVGD: "Class C0". The proline amino acid residue is found in multiple mammalian species, which suggests that this missense change does not adversely affect protein function. In summary, the available evidence is currently insufficient to determine the role of this variant in disease. Therefore, it has been classified as a Variant of Uncertain Significance.